The following is an entry in ClinVar:

NM_001369.3(DNAH5):c.7407+4A>C

Gene: DNAH5 (dynein axonemal heavy chain 5; minus strand). Cytogenetic location: 5p15.2.
Variant type: single nucleotide variant.
Coding change: c.7407+4A>C on transcript NM_001369.3 (MANE Select); 4 bases into the intron after coding-DNA position 7407, A replaced by C.
Molecular consequence: intron variant.
Genome position (GRCh38, 1-based): chr5:13,811,643, T>G on the plus strand (A>C on the coding strand, the complement: DNAH5 is on the minus strand). VCF-style: chr5-13811643-T-G. GRCh37 (hg19) VCF-style: chr5-13811752-T-G.
Identifiers: ClinVar variation 1880839 (VCV001880839.4), dbSNP rs1313931851, ClinGen allele CA557876747.

ClinVar aggregate classification (germline): Conflicting classifications of pathogenicity. Review status: criteria provided, conflicting classifications (1 of 4 stars). 2 submissions from 2 submitters: Uncertain significance (1); Likely benign (1). Last evaluated 2025-04-02.

Conditions:
Primary ciliary dyskinesia. Also called: Ciliary dyskinesia. Identifiers: Orphanet 244, MedGen C0008780, MONDO:0016575, HP:0012265.
Primary ciliary dyskinesia 3. Identifiers: Orphanet 244, MedGen C1837618, MONDO:0012085, OMIM 608644.

Allele frequency attached by ClinVar (database versions not stated): TOPMed below 0.00001; gnomAD exomes 0.00003.
gnomAD v4.1: 15 of 1,613,928 alleles (0.00093%); highest among the groups gnomAD compares: Admixed American, 0.025%; no homozygotes.

Submissions (2):

Labcorp Genetics (formerly Invitae), Labcorp
Classification: Uncertain significance for Primary ciliary dyskinesia. Last evaluated: 2025-04-02. Review status: criteria provided, single submitter. Criteria: Invitae Variant Classification Sherloc (09022015). Collection method: clinical testing. Allele origin: germline.
Comment: This sequence change falls in intron 44 of the DNAH5 gene. It does not directly change the encoded amino acid sequence of the DNAH5 protein. It affects a nucleotide within the consensus splice site. This variant is present in population databases (no rsID available, gnomAD 0.02%). This variant has not been reported in the literature in individuals affected with DNAH5-related conditions. ClinVar contains an entry for this variant (Variation ID: 1880839). Variants that disrupt the consensus splice site are a relatively common cause of aberrant splicing (PMID: 17576681, 9536098). Algorithms developed to predict the effect of sequence changes on RNA splicing suggest that this variant is not likely to affect RNA splicing. In summary, the available evidence is currently insufficient to determine the role of this variant in disease. Therefore, it has been classified as a Variant of Uncertain Significance.

ARUP Laboratories, Molecular Genetics and Genomics, ARUP Laboratories
Classification: Likely benign for Primary ciliary dyskinesia 3. Last evaluated: 2023-08-30. Review status: criteria provided, single submitter. Criteria: ARUP Molecular Germline Variant Investigation Process 2024. Collection method: clinical testing. Allele origin: germline.

Literature cited by the submitters: PubMed 17576681 (cited by Labcorp Genetics (formerly Invitae), Labcorp); PubMed 9536098 (cited by Labcorp Genetics (formerly Invitae), Labcorp).